The following is an entry in ClinVar:

ClinVar aggregate classification (germline): Uncertain significance (1 of 4 stars; one submission).

Submission:

GeneDx
Classification: Uncertain significance. Last evaluated: 2026-02-23. Review status: criteria provided, single submitter. Criteria: GeneDx Variant Classification Process June 2021. Collection method: clinical testing. Allele origin: germline.
Comment: Not observed at significant frequency in large population cohorts (gnomAD); In silico analysis supports that this missense variant has a deleterious effect on protein structure/function; Has not been previously published as pathogenic or benign to our knowledge

NM_001690.4(ATP6V1A):c.1186G>A (p.Gly396Arg)

Gene: ATP6V1A (ATPase H+ transporting V1 subunit A; plus strand). Cytogenetic location: 3q13.31.
Variant type: single nucleotide variant.
Coding change: c.1186G>A on transcript NM_001690.4 (MANE Select); coding-DNA position 1186, G replaced by A.
Protein change: p.Gly396Arg; replaces glycine 396 with arginine.
Molecular consequence: missense variant.
Genome position (GRCh38, 1-based): chr3:113,795,164, G>A. VCF-style: chr3-113795164-G-A. GRCh37 (hg19) VCF-style: chr3-113514011-G-A.
Other names: short protein forms G396R.
Identifiers: ClinVar variation 5009659 (VCV005009659.1).